The following is an entry in ClinVar:

NM_001127222.2(CACNA1A):c.1220A>G (p.Asp407Gly)

Gene: CACNA1A (calcium voltage-gated channel subunit alpha1 A; minus strand). Cytogenetic location: 19p13.13.
Variant type: single nucleotide variant.
Coding change: c.1220A>G on transcript NM_001127222.2 (MANE Select); coding-DNA position 1220, A replaced by G.
Protein change: p.Asp407Gly; replaces aspartic acid 407 with glycine.
Molecular consequence: missense variant.
Genome position (GRCh38, 1-based): chr19:13,332,904, T>C on the plus strand (A>G on the coding strand, the complement: CACNA1A is on the minus strand). VCF-style: chr19-13332904-T-C. GRCh37 (hg19) VCF-style: chr19-13443718-T-C.
Other names: c.1220A>G, p.Asp407Gly (NM_000068.4, NM_001127221.2, NM_001174080.2 and 1 more transcripts); short protein forms D407G.
Identifiers: ClinVar variation 1354151 (VCV001354151.6), dbSNP rs2058491087, ClinGen allele CA404346328.

ClinVar aggregate classification (germline): Uncertain significance (1 of 4 stars; one submission).

Conditions:
Episodic ataxia type 2 (EA2). Also called: ATAXIA, EPISODIC, WITH NYSTAGMUS; ATAXIA, FAMILIAL PAROXYSMAL; CEREBELLAR ATAXIA, PAROXYSMAL, ACETAZOLAMIDE-RESPONSIVE; CEREBELLOPATHY, HEREDITARY PAROXYSMAL; EPISODIC ATAXIA, NYSTAGMUS-ASSOCIATED; ACETAZOLAMIDE-RESPONSIVE HEREDITARY PAROXYSMAL CEREBELLAR ATAXIA. Identifiers: Orphanet 97, MedGen C1720416, MONDO:0007163, OMIM 108500.
Developmental and epileptic encephalopathy, 42 (DEE42A). Also called: DEVELOPMENTAL AND EPILEPTIC ENCEPHALOPATHY 42A; EPILEPTIC ENCEPHALOPATHY, EARLY INFANTILE, 42A; Epileptic encephalopathy, early infantile, 42. Identifiers: MedGen C4310716, MONDO:0014917, OMIM 617106.

Submission:

Labcorp Genetics (formerly Invitae), Labcorp
Classification: Uncertain significance for Developmental and epileptic encephalopathy, 42; Episodic ataxia type 2. Last evaluated: 2025-08-29. Review status: criteria provided, single submitter. Criteria: Invitae Variant Classification Sherloc (09022015). Collection method: clinical testing. Allele origin: germline.
Comment: This sequence change replaces aspartic acid, which is acidic and polar, with glycine, which is neutral and non-polar, at codon 407 of the CACNA1A protein (p.Asp407Gly). This variant is not present in population databases (gnomAD no frequency). This variant has not been reported in the literature in individuals affected with CACNA1A-related conditions. ClinVar contains an entry for this variant (Variation ID: 1354151). Invitae Evidence Modeling of protein sequence and biophysical properties (such as structural, functional, and spatial information, amino acid conservation, physicochemical variation, residue mobility, and thermodynamic stability) indicates that this missense variant is not expected to disrupt CACNA1A protein function with a negative predictive value of 95%. In summary, the available evidence is currently insufficient to determine the role of this variant in disease. Therefore, it has been classified as a Variant of Uncertain Significance.